The following is an entry in ClinVar:

ClinVar aggregate classification (germline): Uncertain significance (1 of 4 stars; one submission).

Conditions:
FAM111B-related disorder. Also called: FAM111B-related condition.

gnomAD v4.1: 1 of 1,613,362 alleles (0.000062%); no homozygotes.

Submission:

PreventionGenetics, part of Exact Sciences
Classification: Uncertain significance for FAM111B-related condition. Last evaluated: 2025-12-05. Review status: criteria provided, single submitter. Criteria: ACMG Guidelines, 2015. Collection method: clinical testing. Allele origin: germline.
Comment: The FAM111B c.381G>C variant is predicted to result in the amino acid substitution p.Lys127Asn. To our knowledge, this variant has not been reported in the literature or in a large population database (gnomAD), indicating this variant is rare. At this time, the clinical significance of this variant is uncertain due to the absence of conclusive functional and genetic evidence.

NM_198947.4(FAM111B):c.381G>C (p.Lys127Asn)

Gene: FAM111B (FAM111 trypsin like peptidase B; plus strand). Cytogenetic location: 11q12.1.
Variant type: single nucleotide variant.
Coding change: c.381G>C on transcript NM_198947.4 (MANE Select); coding-DNA position 381, G replaced by C.
Protein change: p.Lys127Asn; replaces lysine 127 with asparagine.
Molecular consequence: missense variant.
Genome position (GRCh38, 1-based): chr11:59,124,478, G>C. VCF-style: chr11-59124478-G-C. GRCh37 (hg19) VCF-style: chr11-58891951-G-C.
Other names: c.291G>C, p.Lys97Asn (NM_001142703.2, NM_001142704.2); short protein forms K97N, K127N.
Identifiers: ClinVar variation 4983228 (VCV004983228.1).
Genomic context (GRCh38, chr11:59,124,478, plus strand): 5'-CTACTCAGCCCTGAGTGCTAATGACTATTTCAGTGAAAGGATAAAGAATCAGTTTAATAA[G>C]AACATTATTGTTTATGAAGAAAAGACAATAGATGGACATATAAATTTAGGAATGCCTCTC-3'
Protein context (NP_945185.1, residues 117-137): FSERIKNQFN[Lys127Asn]NIIVYEEKTI